The following is an entry in ClinVar:

NM_001375524.1(TRRAP):c.10597C>T (p.Arg3533Trp)

Gene: TRRAP (transformation/transcription domain associated protein; plus strand). Cytogenetic location: 7q22.1.
Variant type: single nucleotide variant.
Coding change: c.10597C>T on transcript NM_001375524.1 (MANE Select); coding-DNA position 10597, C replaced by T.
Protein change: p.Arg3533Trp; replaces arginine 3533 with tryptophan.
Molecular consequence: missense variant.
Genome position (GRCh38, 1-based): chr7:99,005,192, C>T. VCF-style: chr7-99005192-C-T. GRCh37 (hg19) VCF-style: chr7-98602815-C-T.
Other names: c.10555C>T, p.Arg3519Trp (NM_001244580.2); c.10468C>T, p.Arg3490Trp (NM_003496.4); short protein forms R3519W, R3490W, R3533W.
Identifiers: ClinVar variation 3691031 (VCV003691031.2).

ClinVar aggregate classification (germline): Uncertain significance (1 of 4 stars; one submission).

gnomAD v4.1: 5 of 1,613,872 alleles (0.00031%); highest among the groups gnomAD compares: African/African-American, 0.0013%; no homozygotes.

Submission:

Labcorp Genetics (formerly Invitae), Labcorp
Classification: Uncertain significance. Last evaluated: 2025-02-12. Review status: criteria provided, single submitter. Criteria: Invitae Variant Classification Sherloc (09022015). Collection method: clinical testing. Allele origin: germline.
Comment: This sequence change replaces arginine, which is basic and polar, with tryptophan, which is neutral and slightly polar, at codon 3490 of the TRRAP protein (p.Arg3490Trp). This variant is not present in population databases (gnomAD no frequency). This variant has not been reported in the literature in individuals affected with TRRAP-related conditions. Invitae Evidence Modeling of protein sequence and biophysical properties (such as structural, functional, and spatial information, amino acid conservation, physicochemical variation, residue mobility, and thermodynamic stability) indicates that this missense variant is expected to disrupt TRRAP protein function with a positive predictive value of 80%. In summary, the available evidence is currently insufficient to determine the role of this variant in disease. Therefore, it has been classified as a Variant of Uncertain Significance.